The following is an entry in ClinVar:

ClinVar aggregate classification (germline): Conflicting classifications of pathogenicity. Review status: criteria provided, conflicting classifications (1 of 4 stars). 2 submissions from 2 submitters: Pathogenic (1); Uncertain significance (1). Last evaluated 2026-07-16.

Conditions:
BSN-related disorder. Also called: BSN-related condition.

Submissions (2):

GeneDx
Classification: Pathogenic. Last evaluated: 2026-07-16. Review status: criteria provided, single submitter. Criteria: GeneDx Variant Classification Process June 2021. Collection method: clinical testing. Allele origin: germline.
Comment: Nonsense variant predicted to result in protein truncation or nonsense mediated decay in a gene for which loss of function is a known mechanism of disease; Not observed at significant frequency in large population cohorts (gnomAD); Has not been previously published as pathogenic or benign to our knowledge

PreventionGenetics, part of Exact Sciences
Classification: Uncertain significance for BSN-related condition. Last evaluated: 2023-04-28. Review status: criteria provided, single submitter. Criteria: ACMG Guidelines, 2015. Collection method: clinical testing. Allele origin: germline.
Comment: The BSN c.6376C>T variant is predicted to result in premature protein termination (p.Gln2126*). To our knowledge, this variant has not been reported in the literature or in a large population database, indicating this variant is rare. Loss-of-function has not been established as a disease mechanism for this gene, and therefore the clinical significance of this variant is currently uncertain due to the absence of conclusive functional and genetic evidence.

NM_003458.4(BSN):c.6376C>T (p.Gln2126Ter)

Gene: BSN (bassoon presynaptic cytomatrix protein; plus strand). Cytogenetic location: 3p21.31.
Variant type: single nucleotide variant.
Coding change: c.6376C>T on transcript NM_003458.4 (MANE Select); coding-DNA position 6376, C replaced by T.
Protein change: p.Gln2126Ter; replaces glutamine 2126 with a stop codon.
Molecular consequence: nonsense.
Genome position (GRCh38, 1-based): chr3:49,655,932, C>T. VCF-style: chr3-49655932-C-T. GRCh37 (hg19) VCF-style: chr3-49693365-C-T.
Other names: short protein forms Q2126*.
Identifiers: ClinVar variation 2633122 (VCV002633122.3), dbSNP rs2472912015, ClinGen allele CA352826609.
Genomic context (GRCh38, chr3:49,655,932, plus strand): 5'-AACTCCATGGACCAGTATGGTGGGCGGCATGGCAGTGGTGGTGGTGGCCCTGACCTTGTG[C>T]AGTACCAGCCCCAGCACGGGCCCGGGCTCAGTGCTCCACAGAGTCTGGTTCCCCTCAGAC-3'